The following is an entry in ClinVar:

ClinVar aggregate classification (germline): Uncertain significance (1 of 4 stars; one submission).

Submission:

Ambry Genetics
Classification: Uncertain significance. Last evaluated: 2023-11-16. Review status: criteria provided, single submitter. Criteria: Ambry Variant Classification Scheme 2023. Collection method: clinical testing. Allele origin: germline.
Comment: The p.H711Q variant (also known as c.2133T>G), located in coding exon 21 of the KIF1B gene, results from a T to G substitution at nucleotide position 2133. The histidine at codon 711 is replaced by glutamine, an amino acid with highly similar properties. This amino acid position is conserved. In addition, the in silico prediction for this alteration is inconclusive. Since supporting evidence is limited at this time, the clinical significance of this alteration remains unclear.

NM_001365951.3(KIF1B):c.2271T>G (p.His757Gln)

Gene: KIF1B (kinesin family member 1B; plus strand). Cytogenetic location: 1p36.22.
Variant type: single nucleotide variant.
Coding change: c.2271T>G on transcript NM_001365951.3 (MANE Select); coding-DNA position 2271, T replaced by G.
Protein change: p.His757Gln; replaces histidine 757 with glutamine.
Molecular consequence: missense variant.
Genome position (GRCh38, 1-based): chr1:10,321,770, T>G. VCF-style: chr1-10321770-T-G. GRCh37 (hg19) VCF-style: chr1-10381828-T-G.
Other names: c.2271T>G, p.His757Gln (NM_001365952.1); c.2133T>G, p.His711Gln (NM_015074.3); short protein forms H711Q, H757Q.
Identifiers: ClinVar variation 3226386 (VCV003226386.1), dbSNP rs2521607073, ClinGen allele CA338332817.